The following is an entry in ClinVar:

NM_001205293.3(CACNA1E):c.5761C>G (p.Leu1921Val)

Gene: CACNA1E (calcium voltage-gated channel subunit alpha1 E; plus strand). Cytogenetic location: 1q25.3.
Variant type: single nucleotide variant.
Coding change: c.5761C>G on transcript NM_001205293.3 (MANE Select); coding-DNA position 5761, C replaced by G.
Protein change: p.Leu1921Val; replaces leucine 1921 with valine.
Molecular consequence: missense variant.
Genome position (GRCh38, 1-based): chr1:181,785,794, C>G. VCF-style: chr1-181785794-C-G. GRCh37 (hg19) VCF-style: chr1-181754930-C-G.
Other names: c.5761C>G, p.Leu1921Val (NM_000721.4); c.5704C>G, p.Leu1902Val (NM_001205294.2); short protein forms L1902V, L1921V.
Identifiers: ClinVar variation 2696466 (VCV002696466.3), dbSNP rs1660802505, ClinGen allele CA343631807.

ClinVar aggregate classification (germline): Uncertain significance (1 of 4 stars; one submission).

Allele frequency attached by ClinVar (database versions not stated): gnomAD 0.00001.
gnomAD v4.1: 1 of 1,610,462 alleles (0.000062%); highest among the groups gnomAD compares: African/African-American, 0.0013%; no homozygotes.

Submission:

Labcorp Genetics (formerly Invitae), Labcorp
Classification: Uncertain significance. Last evaluated: 2023-11-27. Review status: criteria provided, single submitter. Criteria: Invitae Variant Classification Sherloc (09022015). Collection method: clinical testing. Allele origin: germline.
Comment: This sequence change replaces leucine, which is neutral and non-polar, with valine, which is neutral and non-polar, at codon 1921 of the CACNA1E protein (p.Leu1921Val). This variant is not present in population databases (gnomAD no frequency). This variant has not been reported in the literature in individuals affected with CACNA1E-related conditions. Advanced modeling of protein sequence and biophysical properties (such as structural, functional, and spatial information, amino acid conservation, physicochemical variation, residue mobility, and thermodynamic stability) performed at Invitae indicates that this missense variant is not expected to disrupt CACNA1E protein function with a negative predictive value of 95%. In summary, the available evidence is currently insufficient to determine the role of this variant in disease. Therefore, it has been classified as a Variant of Uncertain Significance.